The following is an entry in ClinVar:

NM_014845.6(FIG4):c.2095C>T (p.Arg699Cys)

Gene: FIG4 (FIG4 phosphoinositide 5-phosphatase; plus strand). Cytogenetic location: 6q21.
Variant type: single nucleotide variant.
Coding change: c.2095C>T on transcript NM_014845.6 (MANE Select); coding-DNA position 2095, C replaced by T.
Protein change: p.Arg699Cys; replaces arginine 699 with cysteine.
Molecular consequence: missense variant.
Genome position (GRCh38, 1-based): chr6:109,786,448, C>T. VCF-style: chr6-109786448-C-T. GRCh37 (hg19) VCF-style: chr6-110107651-C-T.
Other names: short protein forms R699C.
Identifiers: ClinVar variation 407085 (VCV000407085.14), dbSNP rs764799053, ClinGen allele CA3956270.

ClinVar aggregate classification (germline): Uncertain significance. Review status: criteria provided, multiple submitters, no conflicts (2 of 4 stars). 6 submissions from 6 submitters: Uncertain significance (6). Last evaluated 2025-12-19.

Conditions:
FIG4-related disorder. Also called: FIG4-related condition; FIG4-related disorders.
Inborn genetic diseases. Identifiers: MedGen C0950123, MeSH D030342.
Charcot-Marie-Tooth disease type 4. Also called: Charcot-Marie-Tooth disease, type IV; Charcot-Marie-Tooth, Type 4. Identifiers: Orphanet 64749, MedGen C4082197, MONDO:0018995.
Yunis-Varon syndrome (YVS). Also called: Cleidocranial dysplasia, micrognathia, absent thumbs, & distal aphalangia. Identifiers: Orphanet 3472, MedGen C1857663, MONDO:0008995, OMIM 216340.

Allele frequency attached by ClinVar (database versions not stated): ExAC 0.00002; gnomAD exomes 0.00002; gnomAD 0.00003 and 0.00004; TOPMed 0.00003.
gnomAD v4.1: 74 of 1,613,594 alleles (0.0046%); highest among the groups gnomAD compares: Middle Eastern, 0.016%; no homozygotes.

Submissions (6):

PreventionGenetics, part of Exact Sciences
Classification: Uncertain significance for FIG4-related condition. Last evaluated: 2025-12-19. Review status: criteria provided, single submitter. Criteria: ACMG Guidelines, 2015. Collection method: clinical testing. Allele origin: germline.
Comment: The FIG4 c.2095C>T variant is predicted to result in the amino acid substitution p.Arg699Cys. This variant has been reported as a variant of uncertain significance in several cohort studies of individuals with amyotrophic lateral sclerosis (Müller et al. 2018. PubMed ID: 29650794; Table S2, Tripolszki et al. 2019. PubMed ID: 31475037; Supp. Table 3, Krenn et al. 2023. PubMed ID: 38127101; Ruf et al. 2023. PubMed ID: 37223130). However, it has also been reported in a control cohort (Table S2, Tripolszki et al. 2019. PubMed ID: 31475037). This variant is reported in 0.0070% of alleles in individuals of European (non-Finnish) descent in gnomAD. At this time, the clinical significance of this variant is uncertain due to the absence of conclusive functional and genetic evidence.

Blueprint Genetics
Classification: Uncertain significance. Last evaluated: 2024-09-25. Review status: criteria provided, single submitter. Criteria: ACMG Guidelines, 2015. Collection method: clinical testing. Allele origin: germline.

Ambry Genetics
Classification: Uncertain significance for Inborn genetic diseases. Last evaluated: 2023-09-05. Review status: criteria provided, single submitter. Criteria: Ambry Variant Classification Scheme 2023. Collection method: clinical testing. Allele origin: germline.

Labcorp Genetics (formerly Invitae), Labcorp
Classification: Uncertain significance for Charcot-Marie-Tooth disease type 4. Last evaluated: 2022-10-13. Review status: criteria provided, single submitter. Criteria: Invitae Variant Classification Sherloc (09022015). Collection method: clinical testing. Allele origin: germline.
Comment: This sequence change replaces arginine, which is basic and polar, with cysteine, which is neutral and slightly polar, at codon 699 of the FIG4 protein (p.Arg699Cys). This variant is present in population databases (rs764799053, gnomAD 0.007%). This missense change has been observed in individual(s) with amyotropic lateral sclerosis (PMID: 29650794, 31475037). ClinVar contains an entry for this variant (Variation ID: 407085). Algorithms developed to predict the effect of missense changes on protein structure and function (SIFT, PolyPhen-2, Align-GVGD) all suggest that this variant is likely to be disruptive. In summary, the available evidence is currently insufficient to determine the role of this variant in disease. Therefore, it has been classified as a Variant of Uncertain Significance.

Centre for Mendelian Genomics, University Medical Centre Ljubljana
Classification: Uncertain significance for Yunis-Varon syndrome. Last evaluated: 2018-10-30. Review status: criteria provided, single submitter. Criteria: ACMG Guidelines, 2015. Collection method: clinical testing. Allele origin: unknown. Affected: yes.
Comment: This variant was classified as: Uncertain significance. The available evidence on this variant's pathogenicity is insufficient or conflicting. The following ACMG criteria were applied in classifying this variant: PP3.

Athena Diagnostics
Classification: Uncertain significance. Last evaluated: 2016-09-28. Review status: criteria provided, single submitter. Criteria: Athena Diagnostics Criteria. Collection method: clinical testing. Allele origin: germline.

Literature cited by the submitters: PubMed 25614874 (cited by Ambry Genetics); PubMed 29650794 (cited by Ambry Genetics and Labcorp Genetics (formerly Invitae), Labcorp); PubMed 31475037 (cited by Ambry Genetics and Labcorp Genetics (formerly Invitae), Labcorp); PubMed 37223130 (cited by Ambry Genetics).